The following is an entry in ClinVar:

NM_020822.3(KCNT1):c.854+7G>A

Gene: KCNT1 (potassium sodium-activated channel subfamily T member 1; plus strand). Cytogenetic location: 9q34.3.
Variant type: single nucleotide variant.
Coding change: c.854+7G>A on transcript NM_020822.3 (MANE Select); 7 bases into the intron after coding-DNA position 854, G replaced by A.
Molecular consequence: intron variant.
Genome position (GRCh38, 1-based): chr9:135,758,515, G>A. VCF-style: chr9-135758515-G-A. GRCh37 (hg19) VCF-style: chr9-138650361-G-A.
Other names: c.710+7G>A (NM_001272003.2).
Identifiers: ClinVar variation 515127 (VCV000515127.1), dbSNP rs1298118251, ClinGen allele CA591142680.

ClinVar aggregate classification (germline): Likely benign (1 of 4 stars; one submission).

Allele frequency attached by ClinVar (database versions not stated): gnomAD exomes below 0.00001; TOPMed 0.00001.
gnomAD v4.1: 2 of 1,611,778 alleles (0.00012%); highest among the groups gnomAD compares: African/African-American, 0.0013%; no homozygotes.

Submission:

GeneDx
Classification: Likely benign. Last evaluated: 2018-01-31. Review status: criteria provided, single submitter. Criteria: GeneDx Variant Classification (06012015). Collection method: clinical testing. Allele origin: germline. Affected: yes.
Comment: This variant is considered likely benign or benign based on one or more of the following criteria: it is a conservative change, it occurs at a poorly conserved position in the protein, it is predicted to be benign by multiple in silico algorithms, and/or has population frequency not consistent with disease.